The following is an entry in ClinVar:

ClinVar aggregate classification (germline): Uncertain significance. Review status: criteria provided, multiple submitters, no conflicts (2 of 4 stars). 2 submissions from 2 submitters: Uncertain significance (2). Last evaluated 2025-12-20.

gnomAD v4.1: 4 of 1,603,662 alleles (0.00025%); highest among the groups gnomAD compares: East Asian, 0.0045%; no homozygotes.

Submissions (2):

Labcorp Genetics (formerly Invitae), Labcorp
Classification: Uncertain significance. Last evaluated: 2025-12-20. Review status: criteria provided, single submitter. Criteria: Invitae Variant Classification Sherloc (09022015). Collection method: clinical testing. Allele origin: germline.
Comment: This sequence change replaces cysteine, which is neutral and slightly polar, with phenylalanine, which is neutral and non-polar, at codon 381 of the MYLK3 protein (p.Cys381Phe). The frequency data for this variant in the population databases is considered unreliable, as metrics indicate poor data quality at this position in the gnomAD database. This variant has not been reported in the literature in individuals affected with MYLK3-related conditions. ClinVar contains an entry for this variant (Variation ID: 3401168). An algorithm developed to predict the effect of missense changes on protein structure and function (PolyPhen-2) suggests that this variant is likely to be tolerated. In summary, the available evidence is currently insufficient to determine the role of this variant in disease. Therefore, it has been classified as a Variant of Uncertain Significance.

Ambry Genetics
Classification: Uncertain significance. Last evaluated: 2024-10-08. Review status: criteria provided, single submitter. Criteria: Ambry Variant Classification Scheme 2023. Collection method: clinical testing. Allele origin: germline.

NM_182493.3(MYLK3):c.1142G>T (p.Cys381Phe)

Gene: MYLK3 (myosin light chain kinase 3; minus strand). Cytogenetic location: 16q11.2.
Variant type: single nucleotide variant.
Coding change: c.1142G>T on transcript NM_182493.3 (MANE Select); coding-DNA position 1142, G replaced by T.
Protein change: p.Cys381Phe; replaces cysteine 381 with phenylalanine.
Molecular consequence: missense variant.
Genome position (GRCh38, 1-based): chr16:46,732,528, C>A on the plus strand (G>T on the coding strand, the complement: MYLK3 is on the minus strand). VCF-style: chr16-46732528-C-A. GRCh37 (hg19) VCF-style: chr16-46766440-C-A.
Other names: c.119G>T, p.Cys40Phe (NM_001308301.1); short protein forms C381F, C40F.
Identifiers: ClinVar variation 3401168 (VCV003401168.3).